The following is an entry in ClinVar:

NM_000343.4(SLC5A1):c.1496G>A (p.Arg499His)

Gene: SLC5A1 (solute carrier family 5 member 1; plus strand). Cytogenetic location: 22q12.3.
Variant type: single nucleotide variant.
Coding change: c.1496G>A on transcript NM_000343.4 (MANE Select); coding-DNA position 1496, G replaced by A.
Protein change: p.Arg499His; replaces arginine 499 with histidine.
Molecular consequence: missense variant.
Genome position (GRCh38, 1-based): chr22:32,102,068, G>A. VCF-style: chr22-32102068-G-A. GRCh37 (hg19) VCF-style: chr22-32498055-G-A.
Other names: c.1115G>A, p.Arg372His (NM_001256314.2); short protein forms R372H, R499H.
Identifiers: ClinVar variation 2138439 (VCV002138439.4), dbSNP rs927157864, ClinGen allele CA411313023.

ClinVar aggregate classification (germline): Likely pathogenic (1 of 4 stars; one submission).

Conditions:
Congenital glucose-galactose malabsorption (GGM). Also called: MONOSACCHARIDE MALABSORPTION; DIARRHEA 16. Identifiers: Orphanet 35710, MedGen C0268186, MONDO:0011731, OMIM 606824.

Allele frequency attached by ClinVar (database versions not stated): gnomAD exomes 0.00001.
gnomAD v4.1: 10 of 1,614,034 alleles (0.00062%); highest among the groups gnomAD compares: East Asian, 0.0089%; no homozygotes.

Submission:

Labcorp Genetics (formerly Invitae), Labcorp
Classification: Likely pathogenic for Congenital glucose-galactose malabsorption. Last evaluated: 2023-11-25. Review status: criteria provided, single submitter. Criteria: Invitae Variant Classification Sherloc (09022015). Collection method: clinical testing. Allele origin: germline.
Comment: This sequence change replaces arginine, which is basic and polar, with histidine, which is basic and polar, at codon 499 of the SLC5A1 protein (p.Arg499His). This variant is not present in population databases (gnomAD no frequency). This missense change has been observed in individuals with glucose-galactose malabsorption (PMID: 8563765, 28152538). ClinVar contains an entry for this variant (Variation ID: 2138439). Advanced modeling of protein sequence and biophysical properties (such as structural, functional, and spatial information, amino acid conservation, physicochemical variation, residue mobility, and thermodynamic stability) performed at Invitae indicates that this missense variant is expected to disrupt SLC5A1 protein function with a positive predictive value of 80%. Experimental studies have shown that this missense change affects SLC5A1 function (PMID: 8563765). In summary, the currently available evidence indicates that the variant is pathogenic, but additional data are needed to prove that conclusively. Therefore, this variant has been classified as Likely Pathogenic.

Literature cited by the submitters: PubMed 8563765; PubMed 28152538.